The following is an entry in ClinVar:

ClinVar aggregate classification (germline): Uncertain significance (1 of 4 stars; one submission).

Conditions:
Pityriasis rubra pilaris (PRP). Also called: Pityriasis rubra pilaris--familial type. Identifiers: Orphanet 2897, MedGen C0032027, MONDO:0100017, OMIM 173200, MONDO:0008251.
Psoriasis 2. Identifiers: MedGen C1864497, MONDO:0011269, OMIM 602723.

Allele frequency attached by ClinVar (database versions not stated): gnomAD exomes below 0.00001; TOPMed below 0.00001; ExAC 0.00001; gnomAD 0.00001.
gnomAD v4.1: 7 of 1,608,664 alleles (0.00044%); highest among the groups gnomAD compares: Non-Finnish European, 0.00059%; no homozygotes.

Submission:

Labcorp Genetics (formerly Invitae), Labcorp
Classification: Uncertain significance for Pityriasis rubra pilaris; Psoriasis 2. Last evaluated: 2022-09-29. Review status: criteria provided, single submitter. Criteria: Invitae Variant Classification Sherloc (09022015). Collection method: clinical testing. Allele origin: germline.
Comment: In summary, the available evidence is currently insufficient to determine the role of this variant in disease. Therefore, it has been classified as a Variant of Uncertain Significance. Variants that disrupt the consensus splice site are a relatively common cause of aberrant splicing (PMID: 17576681, 9536098). Algorithms developed to predict the effect of sequence changes on RNA splicing suggest that this variant is not likely to affect RNA splicing. This variant has not been reported in the literature in individuals affected with CARD14-related conditions. This variant is present in population databases (rs773973695, gnomAD 0.002%). This sequence change falls in intron 15 of the CARD14 gene. It does not directly change the encoded amino acid sequence of the CARD14 protein. It affects a nucleotide within the consensus splice site.

Literature cited by the submitters: PubMed 17576681; PubMed 9536098.

NM_001366385.1(CARD14):c.2219+3G>A

Genes: SGSH (N-sulfoglucosamine sulfohydrolase; minus strand), CARD14 (caspase recruitment domain family member 14; plus strand). Cytogenetic location: 17q25.3.
Variant type: single nucleotide variant.
Coding change: c.2219+3G>A on transcript NM_001366385.1 (MANE Select); 3 bases into the intron after coding-DNA position 2219, G replaced by A.
Molecular consequence: intron variant. On other transcripts: synonymous variant (1).
Genome position (GRCh38, 1-based): chr17:80,202,423, G>A. VCF-style: chr17-80202423-G-A. GRCh37 (hg19) VCF-style: chr17-78176222-G-A.
Other names: c.2222G>A, p.Ter741= (NM_001257970.1); c.2219+3G>A (NM_024110.4).
Identifiers: ClinVar variation 2097166 (VCV002097166.4), dbSNP rs773973695, ClinGen allele CA8817216.